The following is an entry in ClinVar:

ClinVar aggregate classification (germline): Likely benign. Review status: criteria provided, single submitter (1 of 4 stars). 2 submissions from 2 submitters: Likely benign (1). 1 of the submissions does not count toward it. Last evaluated 2026-01-26.

Conditions:
Desbuquois dysplasia 1 (DBQD1). Also called: MICROMELIC DWARFISM WITH VERTEBRAL AND METAPHYSEAL ABNORMALITIES AND ADVANCED CARPOTARSAL OSSIFICATION; DESBUQUOIS DYSPLASIA 1, KIM VARIANT. Identifiers: Orphanet 1425, MedGen C4012146, MONDO:0009629, OMIM 251450.
XYLT1-related disorder. Also called: XYLT1-related condition.

Allele frequency attached by ClinVar (database versions not stated): gnomAD exomes 0.00008 and 0.00016; ExAC 0.00018; gnomAD 0.00042 and 0.00043; ESP Exome Variant Server 0.00046; TOPMed 0.00057; 1000 Genomes Project 0.00060; 1000 Genomes Project 30x 0.00078.
gnomAD v4.1: 184 of 1,614,178 alleles (0.011%); highest among the groups gnomAD compares: African/African-American, 0.17%; no homozygotes.

Submissions (2):

Labcorp Genetics (formerly Invitae), Labcorp
Classification: Likely benign for Desbuquois dysplasia 1. Last evaluated: 2026-01-26. Review status: criteria provided, single submitter. Criteria: Invitae Variant Classification Sherloc (09022015). Collection method: clinical testing. Allele origin: germline.

PreventionGenetics, part of Exact Sciences
Classification: Likely benign for XYLT1-related condition. Last evaluated: 2019-05-01. Review status: no assertion criteria provided. Collection method: clinical testing. Allele origin: germline. Not counted in ClinVar's aggregate classification.
Comment: This variant is classified as likely benign based on ACMG/AMP sequence variant interpretation guidelines (Richards et al. 2015 PMID: 25741868, with internal and published modifications).

NM_022166.4(XYLT1):c.1905C>T (p.Tyr635=)

Genes: XYLT1 (xylosyltransferase 1; minus strand), LOC102723692 (uncharacterized LOC102723692; plus strand). Cytogenetic location: 16p12.3.
Variant type: single nucleotide variant.
Coding change: c.1905C>T on transcript NM_022166.4 (MANE Select); coding-DNA position 1905, C replaced by T.
Protein change: p.Tyr635=; no amino-acid change (tyrosine 635 retained).
Molecular consequence: synonymous variant.
Genome position (GRCh38, 1-based): chr16:17,134,595, G>A on the plus strand (C>T on the coding strand, the complement: XYLT1 is on the minus strand). VCF-style: chr16-17134595-G-A. GRCh37 (hg19) VCF-style: chr16-17228452-G-A.
Other names: c.1905C>T (NM_022166.3).
Identifiers: ClinVar variation 1099682 (VCV001099682.11), dbSNP rs139156211, ClinGen allele CA7927737.
Genomic context (GRCh38, chr16:17,134,595, plus strand): 5'-AAAGGAGTGGTACAAGGTGAGTGTCACGTCGCTCAGGCTGTGGATGCCGTCAGGCTCATC[G>A]TAGACATTCTCCCAGTAGGAGCGCAGGCCCGGGGTACCTGCAGGGTAGTTCCCGTACAGG-3'
Protein context (NP_071449.1, residues 625-645): PGLRSYWENV[Tyr635=]DEPDGIHSLS